The following is an entry in ClinVar:

ClinVar aggregate classification (germline): Uncertain significance (1 of 4 stars; one submission).

Conditions:
Inborn genetic diseases. Identifiers: MedGen C0950123, MeSH D030342.

Submission:

Ambry Genetics
Classification: Uncertain significance for Inborn genetic diseases. Last evaluated: 2025-02-27. Review status: criteria provided, single submitter. Criteria: Ambry Variant Classification Scheme 2023. Collection method: clinical testing. Allele origin: germline.
Comment: The p.T577N variant (also known as c.1730C>A), located in coding exon 10 of the FANCM gene, results from a C to A substitution at nucleotide position 1730. The threonine at codon 577 is replaced by asparagine, an amino acid with similar properties. This amino acid position is conserved. In addition, the in silico prediction for this alteration is inconclusive. Based on the available evidence, the clinical significance of this variant remains unclear.

NM_020937.4(FANCM):c.1730C>A (p.Thr577Asn)

Gene: FANCM (FA complementation group M; plus strand). Cytogenetic location: 14q21.2.
Variant type: single nucleotide variant.
Coding change: c.1730C>A on transcript NM_020937.4 (MANE Select); coding-DNA position 1730, C replaced by A.
Protein change: p.Thr577Asn; replaces threonine 577 with asparagine.
Molecular consequence: missense variant.
Genome position (GRCh38, 1-based): chr14:45,164,507, C>A. VCF-style: chr14-45164507-C-A. GRCh37 (hg19) VCF-style: chr14-45633710-C-A.
Other names: c.1652C>A, p.Thr551Asn (NM_001308133.2); c.1730C>A, p.Thr577Asn (NM_001308134.2); short protein forms T551N, T577N.
Identifiers: ClinVar variation 3848769 (VCV003848769.1).
Genomic context (GRCh38, chr14:45,164,507, plus strand): 5'-TTATAATATGTTTTGATTCCCAGAAGAGCCCAATTCGTCTTGTACAACGAATGGGTAGAA[C>A]TGGCCGTAAACGTCAAGGCAGGATAGTTATTATCCTTTCTGAAGGACGAGAGGAACGTGT-3'
Protein context (NP_065988.1, residues 567-587): PIRLVQRMGR[Thr577Asn]GRKRQGRIVI